The following is an entry in ClinVar:

NM_022167.4(XYLT2):c.1636G>T (p.Gly546Cys)

Gene: XYLT2 (xylosyltransferase 2; plus strand). Cytogenetic location: 17q21.33.
Variant type: single nucleotide variant.
Coding change: c.1636G>T on transcript NM_022167.4 (MANE Select); coding-DNA position 1636, G replaced by T.
Protein change: p.Gly546Cys; replaces glycine 546 with cysteine.
Molecular consequence: missense variant.
Genome position (GRCh38, 1-based): chr17:50,356,664, G>T. VCF-style: chr17-50356664-G-T. GRCh37 (hg19) VCF-style: chr17-48434025-G-T.
Other names: short protein forms G546C.
Identifiers: ClinVar variation 3338623 (VCV003338623.1).
Genomic context (GRCh38, chr17:50,356,664, plus strand): 5'-TACCCCCCCGGCACGCCAGCCCTCAAGGCCTACTGGGAGAACACCTACGACGCGGCTGAT[G>T]GCCCCAGTGGGCTCAGTGATGTCATGCTCACTGCTTACACAGCCTTCGCCCGCCTCAGCC-3'
Protein context (NP_071450.2, residues 536-556): YWENTYDAAD[Gly546Cys]PSGLSDVMLT

ClinVar aggregate classification (germline): Uncertain significance (1 of 4 stars; one submission).

Submission:

Greenwood Genetic Center Diagnostic Laboratories, Greenwood Genetic Center
Classification: Uncertain significance. Last evaluated: 2024-05-03. Review status: criteria provided, single submitter. Criteria: ACMG Guidelines, 2015. Collection method: clinical testing. Allele origin: germline. Affected: yes.
Comment: Gene of Uncertain Significance